The following is an entry in ClinVar:

ClinVar aggregate classification (germline): Likely benign. Review status: criteria provided, single submitter (1 of 4 stars). 2 submissions from 2 submitters: Likely benign (1). 1 of the submissions does not count toward it. Last evaluated 2024-07-16.

Conditions:
CDKL5 disorder. Identifiers: MedGen CN296942, MONDO:0100039.

Allele frequency attached by ClinVar (database versions not stated): gnomAD exomes 0.00001 and below 0.00001; ExAC 0.00001.
gnomAD v4.1: 4 of 1,209,127 alleles (0.00033%); highest among the groups gnomAD compares: Admixed American, 0.0022%; no homozygotes.

Submissions (2):

Centre for Population Genomics, CPG
Classification: Likely benign for CDKL5 disorder. Last evaluated: 2024-07-16. Review status: criteria provided, single submitter. Criteria: McKnight et al. (Hum Mutat. 2022). Collection method: curation. Allele origin: germline. Inheritance: X-linked inheritance.
Comment: This variant has been collected from RettBASE and curated to current modified ACMG/AMP criteria. Based on the classification scheme defined by the ClinGen Rett/Angelman-like Expert Panel for Rett/AS-like Disorders Specifications to the ACMG/AMP Variant Interpretation Guidelines VCEP 3.0, this variant is classified as likely benign. At least the following criteria are met: The allele frequency of this variant in at least one population in gnomAD is between 0.008% and 0.03% (BS1). The computational splicing predictor SpliceAI does not support significant splicing alteration (score of <=0.1) (BP4).

RettBASE
Classification: Benign. Last evaluated: 2014-03-13. Review status: no assertion criteria provided. Collection method: curation. Allele origin: unknown. Observed: 1 variant allele. Not counted in ClinVar's aggregate classification.

Literature cited by the submitters: PubMed 17089071 (cited by RettBASE).

NM_001323289.2(CDKL5):c.216T>A (p.Ile72=)

Gene: CDKL5 (cyclin dependent kinase like 5; plus strand). Cytogenetic location: Xp22.13.
Variant type: single nucleotide variant.
Coding change: c.216T>A on transcript NM_001323289.2 (MANE Select); coding-DNA position 216, T replaced by A.
Protein change: p.Ile72=; no amino-acid change (isoleucine 72 retained).
Molecular consequence: synonymous variant.
Genome position (GRCh38, 1-based): chrX:18,575,424, T>A. VCF-style: chrX-18575424-T-A. GRCh37 (hg19) VCF-style: chrX-18593544-T-A.
Other names: NM_001323289.2(CDKL5):c.216T>A; p.Ile72=; c.216T>A, p.Ile72= (NM_001037343.2, NM_003159.3).
Identifiers: ClinVar variation 143798 (VCV000143798.4), dbSNP rs267608439, ClinGen allele CA170471.
Genomic context (GRCh38, chrX:18,575,424, plus strand): 5'-AGTCAAAGAAACGACTTTACGAGAGCTTAAAATGCTTCGGACTCTCAAGCAGGAAAACAT[T>A]GTGGAGTTGAAGGAAGCATTTCGTCGGAGGGGAAAGTTGTACTTGGTGTTTGAGTATGTT-3'
Protein context (NP_001310218.1, residues 62-82): KMLRTLKQEN[Ile72=]VELKEAFRRR